The following is an entry in ClinVar:

ClinVar aggregate classification (germline): Uncertain significance (1 of 4 stars; one submission).

gnomAD v4.1: 3 of 1,611,898 alleles (0.00019%); highest among the groups gnomAD compares: African/African-American, 0.0027%; no homozygotes.

Submission:

Labcorp Genetics (formerly Invitae), Labcorp
Classification: Uncertain significance. Last evaluated: 2024-04-16. Review status: criteria provided, single submitter. Criteria: Invitae Variant Classification Sherloc (09022015). Collection method: clinical testing. Allele origin: germline.
Comment: This sequence change falls in intron 8 of the RASA2 gene. It does not directly change the encoded amino acid sequence of the RASA2 protein. It affects a nucleotide within the consensus splice site. This variant is present in population databases (rs777106623, gnomAD 0.02%). This variant has not been reported in the literature in individuals affected with RASA2-related conditions. Variants that disrupt the consensus splice site are a relatively common cause of aberrant splicing (PMID: 17576681, 9536098). Algorithms developed to predict the effect of sequence changes on RNA splicing suggest that this variant is not likely to affect RNA splicing. In summary, the available evidence is currently insufficient to determine the role of this variant in disease. Therefore, it has been classified as a Variant of Uncertain Significance.

Literature cited by the submitters: PubMed 17576681; PubMed 9536098.

NM_006506.5(RASA2):c.762-3C>T

Gene: RASA2 (RAS p21 protein activator 2; plus strand). Cytogenetic location: 3q23.
Variant type: single nucleotide variant.
Coding change: c.762-3C>T on transcript NM_006506.5 (MANE Select); 3 bases into the intron before coding-DNA position 762, C replaced by T.
Molecular consequence: intron variant.
Genome position (GRCh38, 1-based): chr3:141,559,891, C>T. VCF-style: chr3-141559891-C-T. GRCh37 (hg19) VCF-style: chr3-141278733-C-T.
Other names: c.762-3C>T (NM_001303245.3, NM_001303246.3).
Identifiers: ClinVar variation 3720508 (VCV003720508.2).
Genomic context (GRCh38, chr3:141,559,891, plus strand): 5'-TTTTGTGGTGTGAACTCTCTTAAACATTGTTTGCAAAACATAAAGCCAGTTTTCAATTTT[C>T]AGGATCGACTTGTGGAACAATGGAAACCTAGTCCAAGATGTTTTCCTAGGTGAGATTAAG-3'